The following is an entry in ClinVar:

NM_001385641.1(SAMD11):c.1211G>A (p.Arg404Gln)

Gene: SAMD11 (sterile alpha motif domain containing 11; plus strand). Cytogenetic location: 1p36.33.
Variant type: single nucleotide variant.
Coding change: c.1211G>A on transcript NM_001385641.1 (MANE Select); coding-DNA position 1211, G replaced by A.
Protein change: p.Arg404Gln; replaces arginine 404 with glutamine.
Molecular consequence: missense variant.
Genome position (GRCh38, 1-based): chr1:941,159, G>A. VCF-style: chr1-941159-G-A. GRCh37 (hg19) VCF-style: chr1-876539-G-A.
Other names: c.1214G>A, p.Arg405Gln (NM_001385640.1); c.722G>A, p.Arg241Gln (NM_152486.4); short protein forms R241Q, R405Q, R404Q.
Identifiers: ClinVar variation 1522622 (VCV001522622.6), dbSNP rs1005814595, ClinGen allele CA337803172.

ClinVar aggregate classification (germline): Uncertain significance (1 of 4 stars; one submission).

gnomAD v4.1: 2 of 1,600,156 alleles (0.00012%); highest among the groups gnomAD compares: Non-Finnish European, 0.000085%; no homozygotes.

Submission:

Labcorp Genetics (formerly Invitae), Labcorp
Classification: Uncertain significance. Last evaluated: 2022-06-13. Review status: criteria provided, single submitter. Criteria: Invitae Variant Classification Sherloc (09022015). Collection method: clinical testing. Allele origin: germline.
Comment: In summary, the available evidence is currently insufficient to determine the role of this variant in disease. Therefore, it has been classified as a Variant of Uncertain Significance. Algorithms developed to predict the effect of missense changes on protein structure and function are either unavailable or do not agree on the potential impact of this missense change (SIFT: "Deleterious"; PolyPhen-2: "Possibly Damaging"; Align-GVGD: "Class C0"). This variant has not been reported in the literature in individuals affected with SAMD11-related conditions. This variant is not present in population databases (gnomAD no frequency). This sequence change replaces arginine, which is basic and polar, with glutamine, which is neutral and polar, at codon 241 of the SAMD11 protein (p.Arg241Gln).